The following is an entry in ClinVar:

ClinVar aggregate classification (germline): Uncertain significance (1 of 4 stars; one submission).

Allele frequency attached by ClinVar (database versions not stated): gnomAD exomes below 0.00001; ExAC 0.00001; gnomAD 0.00001.
gnomAD v4.1: 6 of 1,613,998 alleles (0.00037%); highest among the groups gnomAD compares: Non-Finnish European, 0.00051%; no homozygotes.

Submission:

CeGaT Center for Human Genetics Tuebingen
Classification: Uncertain significance. Last evaluated: 2023-07-01. Review status: criteria provided, single submitter. Criteria: CeGaT Center For Human Genetics Tuebingen Variant Classification Criteria Version 2. Collection method: clinical testing. Allele origin: germline. Affected: yes. Observed: 1 variant allele.
Comment: FAT1: PM2, BP4

NM_005245.4(FAT1):c.208G>A (p.Val70Ile)

Gene: FAT1 (FAT atypical cadherin 1; minus strand). Cytogenetic location: 4q35.2.
Variant type: single nucleotide variant.
Coding change: c.208G>A on transcript NM_005245.4 (MANE Select); coding-DNA position 208, G replaced by A.
Protein change: p.Val70Ile; replaces valine 70 with isoleucine.
Molecular consequence: missense variant.
Genome position (GRCh38, 1-based): chr4:186,709,620, C>T on the plus strand (G>A on the coding strand, the complement: FAT1 is on the minus strand). VCF-style: chr4-186709620-C-T. GRCh37 (hg19) VCF-style: chr4-187630774-C-T.
Other names: short protein forms V70I.
Identifiers: ClinVar variation 2578971 (VCV002578971.25), dbSNP rs776990386, ClinGen allele CA3167703.